The following is an entry in ClinVar:

NM_025099.6(CTC1):c.1623_1624del (p.Arg542fs)

Gene: CTC1 (CST telomere replication complex component 1; minus strand). Cytogenetic location: 17p13.1.
Variant type: Deletion.
Coding change: c.1623_1624del on transcript NM_025099.6 (MANE Select); coding-DNA positions 1623 to 1624, 2 bases deleted (TC; older notation c.1623_1624delTC).
Protein change: p.Arg542fs; shifts the reading frame from arginine 542.
Molecular consequence: frameshift variant. On other transcripts: non-coding transcript variant (1).
Genome position (GRCh38, 1-based): chr17:8,234,649-8,234,650, GA deleted on the plus strand (TC on the coding strand, the reverse complement: CTC1 is on the minus strand); deleting any 2 consecutive bases within chr17:8,234,649-8,234,651 gives the same sequence; the c. name uses the placement nearest the transcript's 3' end. VCF-style (leftmost placement, unchanged base first): chr17-8234648-CGA-C. GRCh37 (hg19) VCF-style: chr17-8137966-CGA-C.
Other names: c.1622_1623delCT, p.Arg542Alafs (NM_001411067.1); short protein forms R542fs.
Identifiers: ClinVar variation 2043467 (VCV002043467.4), dbSNP rs1567607653, ClinGen allele CA624869533.

ClinVar aggregate classification (germline): Pathogenic (1 of 4 stars; one submission).

Conditions:
Dyskeratosis congenita. Identifiers: Orphanet 1775, MedGen C0265965, MONDO:0015780.

Submission:

Labcorp Genetics (formerly Invitae), Labcorp
Classification: Pathogenic for Dyskeratosis congenita. Last evaluated: 2022-05-28. Review status: criteria provided, single submitter. Criteria: Invitae Variant Classification Sherloc (09022015). Collection method: clinical testing. Allele origin: germline.
Comment: For these reasons, this variant has been classified as Pathogenic. This variant has not been reported in the literature in individuals affected with CTC1-related conditions. This variant is present in population databases (no rsID available, gnomAD 0.0009%). This sequence change creates a premature translational stop signal (p.Arg542Alafs*20) in the CTC1 gene. It is expected to result in an absent or disrupted protein product. Loss-of-function variants in CTC1 are known to be pathogenic (PMID: 22267198, 22387016).

Literature cited by the submitters: PubMed 22267198; PubMed 22387016.